The following is an entry in ClinVar:

NM_001377236.1(AHRR):c.706C>T (p.Leu236=)

Genes: AHRR (aryl hydrocarbon receptor repressor; plus strand), PDCD6-AHRR (PDCD6-AHRR readthrough (NMD candidate); plus strand). Cytogenetic location: 5p15.33.
Variant type: single nucleotide variant.
Coding change: c.706C>T on transcript NM_001377236.1 (MANE Select); coding-DNA position 706, C replaced by T.
Protein change: p.Leu236=; no amino-acid change (leucine 236 retained).
Molecular consequence: synonymous variant. On other transcripts: non-coding transcript variant (2).
Genome position (GRCh38, 1-based): chr5:423,975, C>T. VCF-style: chr5-423975-C-T. GRCh37 (hg19) VCF-style: chr5-424090-C-T.
Other names: c.706C>T, p.Leu236= (NM_001377239.1).
Identifiers: ClinVar variation 2655244 (VCV002655244.24), dbSNP rs771563535, ClinGen allele CA3174144.

ClinVar aggregate classification (germline): Likely benign (1 of 4 stars; one submission).

Allele frequency attached by ClinVar (database versions not stated): gnomAD exomes below 0.00001; TOPMed below 0.00001; ExAC 0.00001; gnomAD 0.00001.
gnomAD v4.1: 7 of 1,598,550 alleles (0.00044%); highest among the groups gnomAD compares: South Asian, 0.0022%; no homozygotes.

Submission:

CeGaT Center for Human Genetics Tuebingen
Classification: Likely benign. Last evaluated: 2022-11-01. Review status: criteria provided, single submitter. Criteria: CeGaT Center For Human Genetics Tuebingen Variant Classification Criteria Version 2. Collection method: clinical testing. Allele origin: germline. Affected: yes. Observed: 1 variant allele.
Comment: AHRR: BP4, BP7